The following is an entry in ClinVar:

ClinVar aggregate classification (germline): Uncertain significance (1 of 4 stars; one submission).

Allele frequency attached by ClinVar (database versions not stated): gnomAD exomes below 0.00001; gnomAD 0.00002; TOPMed 0.00004.

Submission:

Labcorp Genetics (formerly Invitae), Labcorp
Classification: Uncertain significance. Last evaluated: 2022-06-20. Review status: criteria provided, single submitter. Criteria: Invitae Variant Classification Sherloc (09022015). Collection method: clinical testing. Allele origin: germline.
Comment: This sequence change replaces glutamic acid, which is acidic and polar, with lysine, which is basic and polar, at codon 228 of the C8B protein (p.Glu228Lys). This variant is present in population databases (rs770507328, gnomAD 0.0009%). This variant has not been reported in the literature in individuals affected with C8B-related conditions. Algorithms developed to predict the effect of missense changes on protein structure and function output the following: SIFT: "Tolerated"; PolyPhen-2: "Benign"; Align-GVGD: "Class C0". The lysine amino acid residue is found in multiple mammalian species, which suggests that this missense change does not adversely affect protein function. In summary, the available evidence is currently insufficient to determine the role of this variant in disease. Therefore, it has been classified as a Variant of Uncertain Significance.

NM_000066.4(C8B):c.682G>A (p.Glu228Lys)

Gene: C8B (complement C8 beta chain; minus strand). Cytogenetic location: 1p32.2.
Variant type: single nucleotide variant.
Coding change: c.682G>A on transcript NM_000066.4 (MANE Select); coding-DNA position 682, G replaced by A.
Protein change: p.Glu228Lys; replaces glutamic acid 228 with lysine.
Molecular consequence: missense variant.
Genome position (GRCh38, 1-based): chr1:56,949,737, C>T on the plus strand (G>A on the coding strand, the complement: C8B is on the minus strand). VCF-style: chr1-56949737-C-T. GRCh37 (hg19) VCF-style: chr1-57415410-C-T.
Other names: c.526G>A, p.Glu176Lys (NM_001278543.2); c.496G>A, p.Glu166Lys (NM_001278544.2); short protein forms E176K, E228K, E166K.
Identifiers: ClinVar variation 1363234 (VCV001363234.5), dbSNP rs770507328, ClinGen allele CA22873876.
Genomic context (GRCh38, chr1:56,949,737, plus strand): 5'-TTTTCTCTGTGACATTGCGTTCAAAATCTGAGTATGATTCATACTCTTTTAATATGAATT[C>T]GTATTTGCCTTGGGTCTAAAGAAGAAAAAAGAAAGGGTTTTTTATTTCATTTGACTCAAA-3'
Protein context (NP_000057.3, residues 218-238): SYTPQTQGKY[Glu228Lys]FILKEYESYS